The following is an entry in ClinVar:

NM_001127644.2(GABRA1):c.1078C>G (p.Pro360Ala)

Gene: GABRA1 (gamma-aminobutyric acid type A receptor subunit alpha1; plus strand). Cytogenetic location: 5q34.
Variant type: single nucleotide variant.
Coding change: c.1078C>G on transcript NM_001127644.2 (MANE Select); coding-DNA position 1078, C replaced by G.
Protein change: p.Pro360Ala; replaces proline 360 with alanine.
Molecular consequence: missense variant.
Genome position (GRCh38, 1-based): chr5:161,897,129, C>G. VCF-style: chr5-161897129-C-G. GRCh37 (hg19) VCF-style: chr5-161324135-C-G.
Other names: c.1078C>G, p.Pro360Ala (NM_000806.5, NM_001127643.2, NM_001127645.2 and 1 more transcripts); short protein forms P360A.
Identifiers: ClinVar variation 2415436 (VCV002415436.6), dbSNP rs771498937, ClinGen allele CA362180598.
Genomic context (GRCh38, chr5:161,897,129, plus strand): 5'-CACTGTTTACTAAACAAAATGCATTGCTCTTTCTTTCTACAGCCAAAGAAAGTAAAGGAT[C>G]CTCTTATTAAGAAAAACAACACTTACGCTCCAACAGCAACCAGCTACACCCCTAATTTGG-3'
Protein context (NP_001121116.1, residues 350-370): VPEKPKKVKD[Pro360Ala]LIKKNNTYAP

ClinVar aggregate classification (germline): Uncertain significance (1 of 4 stars; one submission).

Conditions:
Epilepsy, idiopathic generalized, susceptibility to, 13. Also called: EPILEPSY, JUVENILE MYOCLONIC, SUSCEPTIBILITY TO, 5. Identifiers: Orphanet 307, Orphanet 64280, MedGen C4013473, MONDO:0012627, OMIM 611136.
Epilepsy, childhood absence 4 (ECA4). Also called: EPILEPSY, CHILDHOOD ABSENCE, SUSCEPTIBILITY TO, 4. Identifiers: Orphanet 307, MedGen C1970160.
Idiopathic generalized epilepsy. Also called: Generalised epilepsy; EIG. Identifiers: MedGen C0270850, MONDO:0005579, OMIM 600669.

Allele frequency attached by ClinVar (database versions not stated): gnomAD 0.00001; TOPMed 0.00001.
gnomAD v4.1: 20 of 1,613,900 alleles (0.0012%); highest among the groups gnomAD compares: Non-Finnish European, 0.0016%; no homozygotes.

Submission:

Labcorp Genetics (formerly Invitae), Labcorp
Classification: Uncertain significance for Epilepsy, childhood absence 4; Epilepsy, idiopathic generalized, susceptibility to, 13; Idiopathic generalized epilepsy. Last evaluated: 2023-07-17. Review status: criteria provided, single submitter. Criteria: Invitae Variant Classification Sherloc (09022015). Collection method: clinical testing. Allele origin: germline.
Comment: In summary, the available evidence is currently insufficient to determine the role of this variant in disease. Therefore, it has been classified as a Variant of Uncertain Significance. Advanced modeling of protein sequence and biophysical properties (such as structural, functional, and spatial information, amino acid conservation, physicochemical variation, residue mobility, and thermodynamic stability) performed at Invitae indicates that this missense variant is not expected to disrupt GABRA1 protein function. ClinVar contains an entry for this variant (Variation ID: 2415436). This variant has not been reported in the literature in individuals affected with GABRA1-related conditions. This variant is not present in population databases (gnomAD no frequency). This sequence change replaces proline, which is neutral and non-polar, with alanine, which is neutral and non-polar, at codon 360 of the GABRA1 protein (p.Pro360Ala).